The following is an entry in ClinVar:

NM_004100.5(EYA4):c.1657A>G (p.Ile553Val)

Genes: EYA4 (EYA transcriptional coactivator and phosphatase 4; plus strand), TARID (TCF21 antisense RNA inducing promoter demethylation; minus strand). Cytogenetic location: 6q23.2.
Variant type: single nucleotide variant.
Coding change: c.1657A>G on transcript NM_004100.5 (MANE Select); coding-DNA position 1657, A replaced by G.
Protein change: p.Ile553Val; replaces isoleucine 553 with valine.
Molecular consequence: missense variant.
Genome position (GRCh38, 1-based): chr6:133,523,096, A>G. VCF-style: chr6-133523096-A-G. GRCh37 (hg19) VCF-style: chr6-133844234-A-G.
Other names: c.1495A>G, p.Ile499Val (NM_001301012.2); c.1675A>G, p.Ile559Val (NM_001301013.2); c.1588A>G, p.Ile530Val (NM_001370458.1, NM_172103.4); c.1513A>G, p.Ile505Val (NM_001370459.1); c.1657A>G, p.Ile553Val (NM_172105.4); short protein forms I499V, I505V, I530V, I553V, I559V.
Identifiers: ClinVar variation 4540233 (VCV004540233.1).

ClinVar aggregate classification (germline): Uncertain significance (1 of 4 stars; one submission).

Submission:

GeneDx
Classification: Uncertain significance. Last evaluated: 2025-06-27. Review status: criteria provided, single submitter. Criteria: GeneDx Variant Classification Process June 2021. Collection method: clinical testing. Allele origin: germline. Affected: yes.
Comment: Not observed at significant frequency in large population cohorts (gnomAD); In silico analysis suggests that this missense variant does not alter protein structure/function; Has not been previously published as pathogenic or benign to our knowledge